The following is an entry in ClinVar:

NM_001080449.3(DNA2):c.1429A>T (p.Ser477Cys)

Gene: DNA2 (DNA replication helicase/nuclease 2; minus strand). Cytogenetic location: 10q21.3.
Variant type: single nucleotide variant.
Coding change: c.1429A>T on transcript NM_001080449.3 (MANE Select); coding-DNA position 1429, A replaced by T.
Protein change: p.Ser477Cys; replaces serine 477 with cysteine.
Molecular consequence: missense variant. On other transcripts: non-coding transcript variant (1).
Genome position (GRCh38, 1-based): chr10:68,437,228, T>A on the plus strand (A>T on the coding strand, the complement: DNA2 is on the minus strand). VCF-style: chr10-68437228-T-A. GRCh37 (hg19) VCF-style: chr10-70196985-T-A.
Other names: c.1429A>T (NM_001080449.2); short protein forms S477C.
Identifiers: ClinVar variation 2575950 (VCV002575950.5), dbSNP rs951836392, ClinGen allele CA208207146.

ClinVar aggregate classification (germline): Uncertain significance. Review status: criteria provided, multiple submitters, no conflicts (2 of 4 stars). 4 submissions from 4 submitters: Uncertain significance (4). Last evaluated 2024-07-19.

Conditions:
Mitochondrial DNA deletion syndrome with progressive myopathy. Also called: PROGRESSIVE EXTERNAL OPHTHALMOPLEGIA, AUTOSOMAL DOMINANT 6; Progressive external ophthalmoplegia with mitochondrial DNA deletions, autosomal dominant 6. Identifiers: Orphanet 352470, MedGen C3554599, MONDO:0014062, OMIM 615156.

Allele frequency attached by ClinVar (database versions not stated): gnomAD 0.00001; TOPMed 0.00001.
gnomAD v4.1: 9 of 1,605,034 alleles (0.00056%); highest among the groups gnomAD compares: Non-Finnish European, 0.00077%; no homozygotes.

Submissions (4):

Labcorp Genetics (formerly Invitae), Labcorp
Classification: Uncertain significance. Last evaluated: 2024-07-19. Review status: criteria provided, single submitter. Criteria: Invitae Variant Classification Sherloc (09022015). Collection method: clinical testing. Allele origin: germline.
Comment: This sequence change replaces serine, which is neutral and polar, with cysteine, which is neutral and slightly polar, at codon 477 of the DNA2 protein (p.Ser477Cys). This variant is not present in population databases (gnomAD no frequency). This variant has not been reported in the literature in individuals affected with DNA2-related conditions. ClinVar contains an entry for this variant (Variation ID: 2575950). Advanced modeling of protein sequence and biophysical properties (such as structural, functional, and spatial information, amino acid conservation, physicochemical variation, residue mobility, and thermodynamic stability) performed at Invitae indicates that this missense variant is not expected to disrupt DNA2 protein function with a negative predictive value of 80%. In summary, the available evidence is currently insufficient to determine the role of this variant in disease. Therefore, it has been classified as a Variant of Uncertain Significance.

GeneDx
Classification: Uncertain significance. Last evaluated: 2023-09-23. Review status: criteria provided, single submitter. Criteria: GeneDx Variant Classification Process June 2021. Collection method: clinical testing. Allele origin: germline. Affected: yes.
Comment: Not observed at significant frequency in large population cohorts (gnomAD); In silico analysis supports that this missense variant has a deleterious effect on protein structure/function; Has not been previously published as pathogenic or benign to our knowledge

Department of Pathology and Laboratory Medicine, Sinai Health System
Classification: Uncertain significance for mitochondrial DNA deletion syndrome with progressive myopathy. Last evaluated: 2022-06-03. Review status: criteria provided, single submitter. Criteria: ACMG Guidelines, 2015. Collection method: research. Allele origin: germline.

Institute for Clinical Genetics, University Hospital TU Dresden, University Hospital TU Dresden
Classification: Uncertain significance. Last evaluated: 2022-02-28. Review status: criteria provided, single submitter. Criteria: ACMG Guidelines, 2015. Collection method: clinical testing. Allele origin: germline.
Comment: PP3, PM2_SUP